The following is an entry in ClinVar:

NM_000059.4(BRCA2):c.6841+11A>G

Gene: BRCA2 (BRCA2 DNA repair associated; plus strand). Cytogenetic location: 13q13.1.
Variant type: single nucleotide variant.
Coding change: c.6841+11A>G on transcript NM_000059.4 (MANE Select); 11 bases into the intron after coding-DNA position 6841, A replaced by G.
Molecular consequence: intron variant.
Genome position (GRCh38, 1-based): chr13:32,341,207, A>G. VCF-style: chr13-32341207-A-G. GRCh37 (hg19) VCF-style: chr13-32915344-A-G.
Other names: p.?.
Identifiers: ClinVar variation 182292 (VCV000182292.21), dbSNP rs730881592, ClinGen allele CA024485.
Genomic context (GRCh38, chr13:32,341,207, plus strand): 5'-GTCAAATTCAAGAATTGGAAAAAGAAGAGGAGAGCCCCTTATCTTAGTGGGTAAGTGTTC[A>G]TTTTTACCTTTCGTGTTGCCAATCACTATTTTTAAAGTGTTTATTCAGTAGACTTGGTAT-3'

ClinVar aggregate classification (germline): Benign/Likely benign. Review status: criteria provided, multiple submitters, no conflicts (2 of 4 stars). 6 submissions from 6 submitters: Benign (1); Likely benign (5). Last evaluated 2026-01-11.

Conditions:
Hereditary cancer-predisposing syndrome. Also called: Tumor predisposition; Hereditary Cancer Syndrome; Hereditary neoplastic syndrome; Neoplastic Syndromes, Hereditary. Identifiers: Orphanet 140162, MedGen C0027672, MeSH D009386, MONDO:0015356.
Hereditary breast ovarian cancer syndrome. Also called: Hereditary breast and ovarian cancer syndrome (HBOC); BRCA1- and BRCA2-Associated Hereditary Breast and Ovarian Cancer; Hereditary breast and/or ovarian cancer syndrome; Breast and ovarian cancer; Hereditary breast and ovarian cancer syndrome; Hereditary breast and ovarian cancer. Identifiers: Orphanet 145, MedGen C0677776, MeSH D061325, MONDO:0003582. Disease mechanism: loss of function.

Allele frequency attached by ClinVar (database versions not stated): gnomAD 0.00004; gnomAD exomes 0.00004 and 0.00006; TOPMed 0.00005; ExAC 0.00006.
gnomAD v4.1: 97 of 1,613,678 alleles (0.006%); highest among the groups gnomAD compares: Admixed American, 0.01%; 1 homozygote.

Submissions (6):

Labcorp Genetics (formerly Invitae), Labcorp
Classification: Likely benign for Hereditary breast ovarian cancer syndrome. Last evaluated: 2026-01-11. Review status: criteria provided, single submitter. Criteria: Invitae Variant Classification Sherloc (09022015). Collection method: clinical testing. Allele origin: germline.

Mayo Clinic Laboratories, Mayo Clinic
Classification: Likely benign. Last evaluated: 2025-10-18. Review status: criteria provided, single submitter. Criteria: ACMG Guidelines, 2015. Collection method: clinical testing. Allele origin: germline. Observed: 1 variant allele.
Comment: BS1_supporting, BP4, BP7

Women's Health and Genetics/Laboratory Corporation of America, LabCorp
Classification: Likely benign. Last evaluated: 2025-05-07. Review status: criteria provided, single submitter. Criteria: LabCorp Variant Classification Summary - May 2015. Collection method: clinical testing. Allele origin: germline.
Comment: Variant summary: BRCA2 c.6841+11A>G alters a non-conserved nucleotide located at a position not widely known to affect splicing. Consensus agreement among computation tools predict no significant impact on normal splicing. However, these predictions have yet to be confirmed by functional studies. The variant allele was found at a frequency of 4.6e-05 in 281404 control chromosomes. This frequency is not significantly higher than estimated for a pathogenic variant in BRCA2 causing Hereditary Breast And Ovarian Cancer Syndrome (4.6e-05 vs 0.00075), allowing no conclusion about variant significance. c.6841+11A>G has been reported in the literature in at least one individual affected with breast cancer, without evidence for causality (e.g. Borg_2012). This report however, does not provide unequivocal conclusions about association of the variant with Hereditary Breast and Ovarian Cancer Syndrome. Co-occurrence with another pathogenic variant has been reported (BRCA1 c.5154G>A, p.Trp1718X; UMD database), providing supporting evidence for a benign role. To our knowledge, no experimental evidence demonstrating an impact on protein function has been reported. The following publication have been ascertained in the context of this evaluation (PMID: 20104584). ClinVar contains an entry for this variant (Variation ID: 182292). Based on the evidence outlined above, the variant was classified as likely benign.

Blueprint Genetics
Classification: Likely benign. Last evaluated: 2021-04-27. Review status: criteria provided, single submitter. Criteria: ACMG Guidelines, 2015. Collection method: clinical testing. Allele origin: germline.

Color Diagnostics, LLC DBA Color Health
Classification: Likely benign for Hereditary cancer-predisposing syndrome. Last evaluated: 2016-11-16. Review status: criteria provided, single submitter. Criteria: ACMG Guidelines, 2015. Collection method: clinical testing. Allele origin: germline.

GeneDx
Classification: Benign. Last evaluated: 2014-09-08. Review status: criteria provided, single submitter. Criteria: GeneDx Variant Classification (06012015). Collection method: clinical testing. Allele origin: germline. Affected: yes.
Comment: This variant is considered likely benign or benign based on one or more of the following criteria: it is a conservative change, it occurs at a poorly conserved position in the protein, it is predicted to be benign by multiple in silico algorithms, and/or has population frequency not consistent with disease.

Literature cited by the submitters: PubMed 20104584 (cited by Women's Health and Genetics/Laboratory Corporation of America, LabCorp).